The following is an entry in ClinVar:

NM_006648.4(WNK2):c.5186C>T (p.Pro1729Leu)

Gene: WNK2 (WNK lysine deficient protein kinase 2; plus strand). Cytogenetic location: 9q22.31.
Variant type: single nucleotide variant.
Coding change: c.5186C>T on transcript NM_006648.4 (MANE Select); coding-DNA position 5186, C replaced by T.
Protein change: p.Pro1729Leu; replaces proline 1729 with leucine.
Molecular consequence: missense variant.
Genome position (GRCh38, 1-based): chr9:93,292,651, C>T. VCF-style: chr9-93292651-C-T. GRCh37 (hg19) VCF-style: chr9-96054933-C-T.
Other names: c.5297C>T, p.Pro1766Leu (NM_001282394.3); short protein forms P1729L, P1766L.
Identifiers: ClinVar variation 4842143 (VCV004842143.1).
Genomic context (GRCh38, chr9:93,292,651, plus strand): 5'-GCACAGTGGGGGGCCAGGCTAGCCACCCCCAGACACTCGGCGCTCGAGCTTTGGGGTCCC[C>T]TCGGAAACGTCCAGAGCAGCAGGATGTCAGCTCACCAGCCAAGACTGTGGGCCGTTTCTC-3'
Protein context (NP_006639.3, residues 1719-1739): QTLGARALGS[Pro1729Leu]RKRPEQQDVS

ClinVar aggregate classification (germline): Uncertain significance (1 of 4 stars; one submission).

Submission:

Ambry Genetics
Classification: Uncertain significance. Last evaluated: 2026-01-14. Review status: criteria provided, single submitter. Criteria: Ambry Variant Classification Scheme 2023. Collection method: clinical testing. Allele origin: germline.
Comment: The p.P1729L variant (also known as c.5186C>T), located in coding exon 22 of the WNK2 gene, results from a C to T substitution at nucleotide position 5186. The proline at codon 1729 is replaced by leucine, an amino acid with similar properties. This amino acid position is conserved. In addition, this alteration is predicted to be tolerated by in silico analysis. Based on the available evidence, the clinical significance of this variant remains unclear.